The following is an entry in ClinVar:

NM_001378778.1(MPDZ):c.3919G>A (p.Glu1307Lys)

Gene: MPDZ (multiple PDZ domain crumbs cell polarity complex component; minus strand). Cytogenetic location: 9p23.
Variant type: single nucleotide variant.
Coding change: c.3919G>A on transcript NM_001378778.1 (MANE Select); coding-DNA position 3919, G replaced by A.
Protein change: p.Glu1307Lys; replaces glutamic acid 1307 with lysine.
Molecular consequence: missense variant.
Genome position (GRCh38, 1-based): chr9:13,140,071, C>T on the plus strand (G>A on the coding strand, the complement: MPDZ is on the minus strand). VCF-style: chr9-13140071-C-T. GRCh37 (hg19) VCF-style: chr9-13140070-C-T.
Other names: c.3820G>A, p.Glu1274Lys (NM_001261406.2, NM_001261407.2, NM_001375416.1 and 3 more transcripts); c.3919G>A, p.Glu1307Lys (NM_001330637.2, NM_001375413.1, NM_003829.5); c.3709G>A, p.Glu1237Lys (NM_001375420.1, NM_001375421.1, NM_001375422.1 and 4 more transcripts); c.3511G>A, p.Glu1171Lys (NM_001375427.1); short protein forms E1307K, E1171K, E1237K, E1274K.
Identifiers: ClinVar variation 789197 (VCV000789197.42), dbSNP rs199509495, ClinGen allele CA4986911.

ClinVar aggregate classification (germline): Likely benign. Review status: criteria provided, multiple submitters, no conflicts (2 of 4 stars). 4 submissions from 4 submitters: Likely benign (3). 1 of the submissions does not count toward it. Last evaluated 2026-09-01.

Conditions:
MPDZ-related disorder. Also called: MPDZ-related condition.

Allele frequency attached by ClinVar (database versions not stated): 1000 Genomes Project 0.00040; 1000 Genomes Project 30x 0.00047; ExAC 0.00081; gnomAD exomes 0.00102; ESP Exome Variant Server 0.00106; gnomAD 0.00123 and 0.00141; TOPMed 0.00144.
gnomAD v4.1: 2,276 of 1,612,838 alleles (0.14%); highest among the groups gnomAD compares: Admixed American, 0.18%; 3 homozygotes.

Submissions (4):

CeGaT Center for Human Genetics Tuebingen
Classification: Likely benign. Last evaluated: 2026-09-01. Review status: criteria provided, single submitter. Criteria: CeGaT Center For Human Genetics Tuebingen Variant Classification Criteria Version 2. Collection method: clinical testing. Allele origin: germline. Affected: yes. Observed: 6 variant alleles.
Comment: MPDZ: BP4, BS2

Labcorp Genetics (formerly Invitae), Labcorp
Classification: Likely benign. Last evaluated: 2026-02-01. Review status: criteria provided, single submitter. Criteria: Invitae Variant Classification Sherloc (09022015). Collection method: clinical testing. Allele origin: germline.

Blueprint Genetics
Classification: Likely benign. Last evaluated: 2024-11-27. Review status: criteria provided, single submitter. Criteria: ACMG Guidelines, 2015. Collection method: clinical testing. Allele origin: germline.

PreventionGenetics, part of Exact Sciences
Classification: Likely benign for MPDZ-related condition. Last evaluated: 2022-04-14. Review status: no assertion criteria provided. Collection method: clinical testing. Allele origin: germline. Not counted in ClinVar's aggregate classification.
Comment: This variant is classified as likely benign based on ACMG/AMP sequence variant interpretation guidelines (Richards et al. 2015 PMID: 25741868, with internal and published modifications).